The following is an entry in ClinVar:

NM_015404.4(WHRN):c.1991C>T (p.Pro664Leu)

Gene: WHRN (whirlin; minus strand). Cytogenetic location: 9q32.
Variant type: single nucleotide variant.
Coding change: c.1991C>T on transcript NM_015404.4 (MANE Select); coding-DNA position 1991, C replaced by T.
Protein change: p.Pro664Leu; replaces proline 664 with leucine.
Molecular consequence: missense variant.
Genome position (GRCh38, 1-based): chr9:114,406,600, G>A on the plus strand (C>T on the coding strand, the complement: WHRN is on the minus strand). VCF-style: chr9-114406600-G-A. GRCh37 (hg19) VCF-style: chr9-117168880-G-A.
Other names: c.842C>T, p.Pro281Leu (NM_001083885.3); c.1991C>T, p.Pro664Leu (NM_001173425.2); c.938C>T, p.Pro313Leu (NM_001346890.1); c.1991C>T (NM_015404.2); short protein forms P664L, P281L, P313L.
Identifiers: ClinVar variation 1359377 (VCV001359377.6), dbSNP rs749497671, ClinGen allele CA5205763.
Genomic context (GRCh38, chr9:114,406,600, plus strand): 5'-TGGACCCGTGGGAAGGGGCCGATGGGGTGTTGGTTGACCAGGGCCAGATGGGCGTCCAGC[G>A]GCCTCTTGGAGCTGGGGTTGGCAGGGGAGACGGAGGCATAGATGGGGGAAGAGGGCAAGT-3'
Protein context (NP_056219.3, residues 654-674): VSPANPSSKR[Pro664Leu]LDAHLALVNQ

ClinVar aggregate classification (germline): Uncertain significance. Review status: criteria provided, multiple submitters, no conflicts (2 of 4 stars). 2 submissions from 2 submitters: Uncertain significance (2). Last evaluated 2026-04-23.

Allele frequency attached by ClinVar (database versions not stated): ExAC 0.00002; gnomAD 0.00002; gnomAD exomes 0.00002; TOPMed 0.00002.
gnomAD v4.1: 36 of 1,610,720 alleles (0.0022%); highest among the groups gnomAD compares: South Asian, 0.0066%; no homozygotes.

Submissions (2):

GeneDx
Classification: Uncertain significance. Last evaluated: 2026-04-23. Review status: criteria provided, single submitter. Criteria: GeneDx Variant Classification Process June 2021. Collection method: clinical testing. Allele origin: germline.
Comment: In silico analysis suggests that this missense variant does not alter protein structure/function; Has not been previously published as pathogenic or benign to our knowledge

Labcorp Genetics (formerly Invitae), Labcorp
Classification: Uncertain significance. Last evaluated: 2021-09-29. Review status: criteria provided, single submitter. Criteria: Invitae Variant Classification Sherloc (09022015). Collection method: clinical testing. Allele origin: germline.
Comment: In summary, the available evidence is currently insufficient to determine the role of this variant in disease. Therefore, it has been classified as a Variant of Uncertain Significance. Algorithms developed to predict the effect of missense changes on protein structure and function output the following: SIFT: "Tolerated"; PolyPhen-2: "Benign"; Align-GVGD: "Class C0". The leucine amino acid residue is found in multiple mammalian species, which suggests that this missense change does not adversely affect protein function. This variant has not been reported in the literature in individuals affected with WHRN-related conditions. This variant is present in population databases (rs749497671, ExAC 0.02%). This sequence change replaces proline with leucine at codon 664 of the WHRN protein (p.Pro664Leu). The proline residue is moderately conserved and there is a moderate physicochemical difference between proline and leucine.